The following is an entry in ClinVar:

NM_201384.3(PLEC):c.1387C>T (p.Arg463Trp)

Gene: PLEC (plectin; minus strand). Cytogenetic location: 8q24.3.
Variant type: single nucleotide variant.
Coding change: c.1387C>T on transcript NM_201384.3 (MANE Select); coding-DNA position 1387, C replaced by T.
Protein change: p.Arg463Trp; replaces arginine 463 with tryptophan.
Molecular consequence: missense variant.
Genome position (GRCh38, 1-based): chr8:143,933,228, G>A on the plus strand (C>T on the coding strand, the complement: PLEC is on the minus strand). VCF-style: chr8-143933228-G-A. GRCh37 (hg19) VCF-style: chr8-145007396-G-A.
Other names: c.1468C>T, p.Arg490Trp (NM_000445.5); c.1345C>T, p.Arg449Trp (NM_201378.4); c.1321C>T, p.Arg441Trp (NM_201379.3); c.1798C>T, p.Arg600Trp (NM_201380.4); c.1291C>T, p.Arg431Trp (NM_201381.3); c.1387C>T, p.Arg463Trp (NM_201382.4); c.1399C>T, p.Arg467Trp (NM_201383.3); c.1468C>T (NM_000445.3); short protein forms R467W, R600W, R449W, R431W, R463W, R441W, R490W.
Identifiers: ClinVar variation 583097 (VCV000583097.14), dbSNP rs201884310, ClinGen allele CA4927997.

ClinVar aggregate classification (germline): Uncertain significance. Review status: criteria provided, multiple submitters, no conflicts (2 of 4 stars). 4 submissions from 4 submitters: Uncertain significance (4). Last evaluated 2026-09-11.

Conditions:
PLEC-related disorder. Also called: PLEC-related disorders; PLEC-related condition.
Epidermolysis bullosa simplex 5C, with pyloric atresia (EBS5C). Also called: PLEC-Related Epidermolysis Bullosa with Pyloric Atresia; PLEC1-Related Epidermolysis Bullosa with Pyloric Atresia; Epidermolysis bullosa simplex with pyloric atresia. Identifiers: Orphanet 158684, MedGen C2677349, MONDO:0012807, OMIM 612138.
Epidermolysis bullosa simplex, Ogna type (EBS5A). Also called: Pidermolysis bullosa simplex 5A, Ogna type; EPIDERMOLYSIS BULLOSA SIMPLEX 5A, OGNA TYPE. Identifiers: Orphanet 79401, MedGen C0432317, MONDO:0007555, OMIM 131950.
Epidermolysis bullosa simplex 5B, with muscular dystrophy (EBS5B). Also called: Epidermolysis bullosa simplex with muscular dystrophy; EPIDERMOLYSIS BULLOSA SIMPLEX AND LIMB-GIRDLE MUSCULAR DYSTROPHY. Identifiers: Orphanet 257, MedGen C2931072, MONDO:0009181, OMIM 226670.
Epidermolysis bullosa simplex with nail dystrophy (EBS5D). Identifiers: MedGen C4225309, MONDO:0014661, OMIM 616487.
Autosomal recessive limb-girdle muscular dystrophy type 2Q (LGMDR17). Also called: MUSCULAR DYSTROPHY, LIMB-GIRDLE, AUTOSOMAL RECESSIVE 17. Identifiers: Orphanet 254361, MedGen C3150989, MONDO:0013390, OMIM 613723.
Inborn genetic diseases. Identifiers: MedGen C0950123, MeSH D030342.

Allele frequency attached by ClinVar (database versions not stated): ExAC 0.00009; gnomAD 0.00016; TOPMed 0.00019; ESP Exome Variant Server 0.00032; 1000 Genomes Project 0.00040; 1000 Genomes Project 30x 0.00047.
gnomAD v4.1: 67 of 1,612,884 alleles (0.0042%); highest among the groups gnomAD compares: African/African-American, 0.055%; no homozygotes.

Submissions (4):

PreventionGenetics, part of Exact Sciences
Classification: Uncertain significance for PLEC-related condition. Last evaluated: 2026-09-11. Review status: criteria provided, single submitter. Criteria: ACMG Guidelines, 2015. Collection method: clinical testing. Allele origin: germline.
Comment: The PLEC c.1468C>T variant is predicted to result in the amino acid substitution p.Arg490Trp. To our knowledge, this variant has not been reported in the literature. This variant is reported in 0.071% of alleles in individuals of African descent in gnomAD. Although we suspect that this variant may be benign, at this time, the clinical significance of this variant is uncertain due to the absence of conclusive functional and genetic evidence.

Labcorp Genetics (formerly Invitae), Labcorp
Classification: Uncertain significance for Autosomal recessive limb-girdle muscular dystrophy type 2Q; Epidermolysis bullosa simplex, Ogna type; Epidermolysis bullosa simplex with nail dystrophy; Epidermolysis bullosa simplex 5C, with pyloric atresia; Epidermolysis bullosa simplex 5B, with muscular dystrophy. Last evaluated: 2025-12-15. Review status: criteria provided, single submitter. Criteria: Invitae Variant Classification Sherloc (09022015). Collection method: clinical testing. Allele origin: germline.
Comment: This sequence change replaces arginine, which is basic and polar, with tryptophan, which is neutral and slightly polar, at codon 490 of the PLEC protein (p.Arg490Trp). This variant is present in population databases (rs201884310, gnomAD 0.07%). This variant has not been reported in the literature in individuals affected with PLEC-related conditions. ClinVar contains an entry for this variant (Variation ID: 583097). Experimental studies and prediction algorithms are not available or were not evaluated, and the functional significance of this variant is currently unknown. In summary, the available evidence is currently insufficient to determine the role of this variant in disease. Therefore, it has been classified as a Variant of Uncertain Significance.

Ambry Genetics
Classification: Uncertain significance for Inborn genetic diseases. Last evaluated: 2025-10-02. Review status: criteria provided, single submitter. Criteria: Ambry Variant Classification Scheme 2023. Collection method: clinical testing. Allele origin: germline.

Revvity Omics, Revvity
Classification: Uncertain significance. Last evaluated: 2020-09-11. Review status: criteria provided, single submitter. Criteria: ACMG Guidelines, 2015. Collection method: clinical testing. Allele origin: germline.